The following is an entry in ClinVar:

NM_003924.4(PHOX2B):c.733G>A (p.Ala245Thr)

Genes: PHOX2B (paired like homeobox 2B; minus strand), LOC110011216 (paired like homeobox 2b polyalanine repeat instability region; plus strand). Cytogenetic location: 4p13.
Variant type: single nucleotide variant.
Coding change: c.733G>A on transcript NM_003924.4 (MANE Select); coding-DNA position 733, G replaced by A.
Protein change: p.Ala245Thr; replaces alanine 245 with threonine.
Molecular consequence: missense variant.
Genome position (GRCh38, 1-based): chr4:41,746,019, C>T on the plus strand (G>A on the coding strand, the complement: PHOX2B is on the minus strand). VCF-style: chr4-41746019-C-T. GRCh37 (hg19) VCF-style: chr4-41748036-C-T.
Other names: c.733G>A (NM_003924.3); short protein forms A245T.
Identifiers: ClinVar variation 1474626 (VCV001474626.7), dbSNP rs2153112768, ClinGen allele CA356737237.

ClinVar aggregate classification (germline): Uncertain significance. Review status: criteria provided, multiple submitters, no conflicts (2 of 4 stars). 2 submissions from 2 submitters: Uncertain significance (2). Last evaluated 2026-02-28.

Conditions:
Hereditary cancer-predisposing syndrome. Also called: Neoplastic Syndromes, Hereditary; Tumor predisposition; Hereditary Cancer Syndrome; Hereditary neoplastic syndrome. Identifiers: Orphanet 140162, MedGen C0027672, MeSH D009386, MONDO:0015356.
Haddad syndrome (OHD). Also called: Ondine-Hirschsprung disease. Identifiers: Orphanet 99803, MedGen C1859049, MONDO:0020493.

Submissions (2):

Ambry Genetics
Classification: Uncertain significance for Hereditary cancer-predisposing syndrome. Last evaluated: 2026-02-28. Review status: criteria provided, single submitter. Criteria: Ambry Variant Classification Scheme 2023. Collection method: clinical testing. Allele origin: germline.
Comment: The p.A245T variant (also known as c.733G>A), located in coding exon 3 of the PHOX2B gene, results from a G to A substitution at nucleotide position 733. The alanine at codon 245 is replaced by threonine, an amino acid with similar properties. This amino acid position is conserved. In addition, this alteration is predicted to be tolerated by in silico analysis. Based on the available evidence, the clinical significance of this variant remains unclear.

Labcorp Genetics (formerly Invitae), Labcorp
Classification: Uncertain significance for Haddad syndrome. Last evaluated: 2022-09-01. Review status: criteria provided, single submitter. Criteria: Invitae Variant Classification Sherloc (09022015). Collection method: clinical testing. Allele origin: germline.
Comment: In summary, the available evidence is currently insufficient to determine the role of this variant in disease. Therefore, it has been classified as a Variant of Uncertain Significance. Algorithms developed to predict the effect of missense changes on protein structure and function are either unavailable or do not agree on the potential impact of this missense change (SIFT: "Tolerated"; PolyPhen-2: "Not Available"; Align-GVGD: "Class C0"). ClinVar contains an entry for this variant (Variation ID: 1474626). This variant has not been reported in the literature in individuals affected with PHOX2B-related conditions. This variant is not present in population databases (gnomAD no frequency). This sequence change replaces alanine, which is neutral and non-polar, with threonine, which is neutral and polar, at codon 245 of the PHOX2B protein (p.Ala245Thr).